The following is an entry in ClinVar:

NM_000444.6(PHEX):c.2250G>C (p.Ter750Tyr)

Genes: PHEX (phosphate regulating endopeptidase X-linked; plus strand), PTCHD1-AS (PTCHD1 and PHEX antisense RNA; minus strand). Cytogenetic location: Xp22.11.
Variant type: single nucleotide variant.
Coding change: c.2250G>C on transcript NM_000444.6 (MANE Select); coding-DNA position 2250, G replaced by C.
Protein change: p.Ter750Tyr.
Molecular consequence: stop lost. On other transcripts: 3 prime UTR variant (1).
Genome position (GRCh38, 1-based): chrX:22,247,953, G>C. VCF-style: chrX-22247953-G-C. GRCh37 (hg19) VCF-style: chrX-22266070-G-C.
Other names: *750Y; c.*85G>C (NM_001282754.2).
Identifiers: ClinVar variation 968782 (VCV000968782.9), dbSNP rs1936441464, ClinGen allele CA412575579.

ClinVar aggregate classification (germline): Likely pathogenic. Review status: criteria provided, multiple submitters, no conflicts (2 of 4 stars). 2 submissions from 2 submitters: Likely pathogenic (2). Last evaluated 2026-03-10.

Conditions:
Familial X-linked hypophosphatemic vitamin D refractory rickets (XLHRD). Also called: X-Linked Hypophosphatemia; Hypophosphatemic Rickets, X-Linked Dominant; HYPOPHOSPHATEMIC VITAMIN D-RESISTANT RICKETS; Hypophosphatemia, vitamin D-resistant rickets; Vitamin D-resistant rickets, X-linked. Identifiers: Orphanet 89936, MedGen C0733682, MONDO:0010619, OMIM 307800.

Submissions (2):

Clinical Biomedical Laboratory, Shriners Hospital For Children - Canada
Classification: Likely pathogenic for Familial X-linked hypophosphatemic vitamin D refractory rickets. Last evaluated: 2026-03-10. Review status: criteria provided, single submitter. Criteria: ACMG Guidelines, 2015. Collection method: clinical testing. Allele origin: germline. Affected: yes.
Comment: This variant is predicted to substitute a stop codon by a tyrosine residue and to introduce a stop codon 9 amino acids downstream. In the Genome Aggregation Database (gnomAD v2.1.1) this variant is not present. This variant has been reported in the literature as a cause of hypophosphatemic rickets (PMID: 26051471). Loss of function variants in PHEX are a typical cause of X-linked hypophosphatemic rickets, which corresponds to the clinical diagnosis of the proband. Based on the ACMG variant interpretation guidelines, the available evidence supports classification of this variant as likely pathogenic.

Labcorp Genetics (formerly Invitae), Labcorp
Classification: Likely pathogenic. Last evaluated: 2024-11-04. Review status: criteria provided, single submitter. Criteria: Invitae Variant Classification Sherloc (09022015). Collection method: clinical testing. Allele origin: germline.
Comment: This sequence change disrupts the translational stop signal of the PHEX mRNA. It is expected to extend the length of the PHEX protein by 9 additional amino acid residues. This variant is not present in population databases (gnomAD no frequency). This protein extension has been observed in individual(s) with PHEX-related conditions (PMID: 30682568; internal data). ClinVar contains an entry for this variant (Variation ID: 968782). This variant results in an extension of the PHEX protein. Other variant(s) that result in a similarly extended protein product (p.*750Glnext*9, p.*750Leuext*9) have been observed in individuals with PHEX-related disease (PMID: 21050253, 30682568). This suggests that these extensions may be clinically significant. In summary, the currently available evidence indicates that the variant is pathogenic, but additional data are needed to prove that conclusively. Therefore, this variant has been classified as Likely Pathogenic.

Literature cited by the submitters: PubMed 26051471 (cited by Clinical Biomedical Laboratory, Shriners Hospital For Children - Canada); PubMed 30682568 (cited by Labcorp Genetics (formerly Invitae), Labcorp); PubMed 21050253 (cited by Labcorp Genetics (formerly Invitae), Labcorp).